The following is an entry in ClinVar:

ClinVar aggregate classification (germline): Pathogenic/Likely pathogenic. Review status: criteria provided, multiple submitters, no conflicts (2 of 4 stars). 15 submissions from 14 submitters: Pathogenic (6); Likely pathogenic (7). 2 of the submissions do not count toward it. Last evaluated 2026-08-12.

Conditions:
USH2A-related disorder. Also called: USH2A-related condition; USH2A-related disorders. Identifiers: MedGen CN239332.
Retinitis pigmentosa (RP). Identifiers: Orphanet 791, MedGen C0035334, MeSH D012174, MONDO:0019200, OMIM 268000. Inheritance: Autosomal dominant, autosomal recessive and X linked inheritance.
Retinitis pigmentosa 39 (RP39). Identifiers: Orphanet 791, MedGen C3151138, MONDO:0013436, OMIM 613809.
Retinal dystrophy. Also called: Inherited retinal dystrophy. Identifiers: Orphanet 71862, MedGen C0854723, MeSH D058499, MONDO:0019118, HP:0000556.
Usher syndrome type 2A. Also called: USHER SYNDROME, TYPE IIA; RETINAL DISEASE IN USHER SYNDROME TYPE IIA, MODIFIER OF. Identifiers: Orphanet 231178, Orphanet 886, MedGen C1848634, MONDO:0010169, OMIM 276901.

Submissions (15):

GeneDx
Classification: Pathogenic. Last evaluated: 2026-08-12. Review status: criteria provided, single submitter. Criteria: GeneDx Variant Classification Process June 2021. Collection method: clinical testing. Allele origin: germline.
Comment: In-frame deletion of 5 amino acid(s) and insertion of 2 different amino acid(s)in a non-repeat region predicted to critically alter the protein; Not observed at significant frequency in large population cohorts (gnomAD); In silico analysis supports a deleterious effect on protein structure/function; This variant is associated with the following publications: (PMID: 32531858, 39596236, 20507924, 28838317, 31842393, 28041643, 30718709, 31266775, 33535592, 32581362, 36284670, 34906470, 33576794, 35836572, 34781295, 38219857, 39202371, 41153429, 23591405, 31998945, 35457016)

PreventionGenetics, part of Exact Sciences
Classification: Pathogenic for USH2A-related condition. Last evaluated: 2026-07-09. Review status: criteria provided, single submitter. Criteria: ACMG Guidelines, 2015. Collection method: clinical testing. Allele origin: germline.
Comment: The USH2A c.13335_13347delinsCTTG variant is predicted to result in an in-frame deletion and insertion. This variant has been reported many times in individuals with retinal disease (see for examples: McGee et al. 2010. PubMed ID: 20507924; Table S1, Weisschuh et al. 2020. PubMed ID: 32531858; Table S4, Maltese et al. 2022. PubMed ID: 35836572). This variant is absent in the large population database gnomAD, indicating this variant is rare. This variant is interpreted as pathogenic.

Natera, Inc.
Classification: Pathogenic for Usher syndrome type 2A. Last evaluated: 2025-08-09. Review status: criteria provided, single submitter. Criteria: Natera Variant Classification Schema (03/2026). Collection method: clinical testing. Allele origin: germline.
Comment: The c.13335_13347delGAACATGGACTCTinsCTTG variant in USH2A is a deletion-insertion (delins) variant predicted to replace one or more nucleotides with a different sequence. This variant is rare in the general population with a frequency below the threshold expected for the associated phenotype(s). This variant has been observed in one or more individuals affected with the associated recessive disease, as either homozygous or compound heterozygous with a second variant (PMID: 23591405, 31266775, 31842393, 31998945, 33576794). This variant results in a change to the protein length while preserving reading frame, which may disrupt normal protein structure or function. Given the available evidence, this variant is classified as Pathogenic.

3billion
Classification: Likely pathogenic for Usher syndrome type 2A. Last evaluated: 2025-07-30. Review status: criteria provided, single submitter. Criteria: ACMG Guidelines, 2015. Collection method: clinical testing. Allele origin: germline. Affected: yes.
Comment: The variant is not observed in the gnomAD v4.1.0 dataset. Predicted Consequence/Location: Inframe insetion/deletion The variant has been reported at least twice as pathogenic with clinical assertions and evidence for the classification (ClinVar ID: VCV000438013 /PMID: 20507924). Therefore, this variant is classified as Likely pathogenic according to the recommendation of ACMG/AMP guideline.

Revvity Omics, Revvity
Classification: Likely pathogenic. Last evaluated: 2025-04-16. Review status: criteria provided, single submitter. Criteria: ACMG Guidelines, 2015. Collection method: clinical testing. Allele origin: germline.

CeGaT Center for Human Genetics Tuebingen
Classification: Pathogenic. Last evaluated: 2024-08-01. Review status: criteria provided, single submitter. Criteria: CeGaT Center For Human Genetics Tuebingen Variant Classification Criteria Version 2. Collection method: clinical testing. Allele origin: germline. Affected: yes. Observed: 4 variant alleles.
Comment: USH2A: PM3:Very Strong, PM1, PM2, PM4

Baylor Genetics
Classification: Pathogenic for Retinitis pigmentosa 39. Last evaluated: 2024-03-27. Review status: criteria provided, single submitter. Criteria: ACMG Guidelines, 2015. Collection method: clinical testing. Allele origin: unknown.

Genome-Nilou Lab
Classification: Likely pathogenic for Retinitis pigmentosa 39. Last evaluated: 2023-11-04. Review status: criteria provided, single submitter. Criteria: ACMG Guidelines, 2015. Collection method: clinical testing. Allele origin: germline. Affected: no.

Genome-Nilou Lab
Classification: Likely pathogenic for Usher syndrome type 2A. Last evaluated: 2023-11-04. Review status: criteria provided, single submitter. Criteria: ACMG Guidelines, 2015. Collection method: clinical testing. Allele origin: germline. Affected: no.

Blueprint Genetics
Classification: Pathogenic for USH2A-related disorders. Last evaluated: 2022-12-05. Review status: criteria provided, single submitter. Criteria: ACMG Guidelines, 2015. Collection method: clinical testing. Allele origin: germline. Affected: yes. Observed: 5 variant alleles.

Institute of Human Genetics, Univ. Regensburg, Univ. Regensburg
Classification: Likely pathogenic for Retinal dystrophy. Last evaluated: 2022-01-01. Review status: criteria provided, single submitter. Criteria: ACMG Guidelines, 2015. Collection method: clinical testing. Allele origin: germline. Affected: yes.

Ocular Genomics Institute, Massachusetts Eye and Ear
Classification: Likely pathogenic for Retinitis pigmentosa 39. Last evaluated: 2021-04-08. Review status: criteria provided, single submitter. Criteria: ACMG Guidelines, 2015. Collection method: research. Allele origin: germline. Affected: yes.
Comment: Through a review of available evidence we were able to apply the following criteria: PM2, PP3, PM3, PM4. Based on this evidence we have classified this variant as Likely Pathogenic.

Centre for Mendelian Genomics, University Medical Centre Ljubljana
Classification: Likely pathogenic for Usher syndrome type 2A. Last evaluated: 2016-01-01. Review status: criteria provided, single submitter. Criteria: ACMG Guidelines, 2015. Collection method: clinical testing. Allele origin: unknown. Affected: yes.
Comment: This variant was classified as: Likely pathogenic. The following ACMG criteria were applied in classifying this variant: PS1,PM2.

Department of Clinical Genetics, Copenhagen University Hospital, Rigshospitalet
Classification: Likely pathogenic for Retinitis pigmentosa. Last evaluated: 2018-04-01. Review status: no assertion criteria provided. Collection method: research. Allele origin: unknown. Affected: yes. Study: VeluxRD. Not counted in ClinVar's aggregate classification.

NIHR Bioresource Rare Diseases, University of Cambridge
Classification: Likely pathogenic for Retinitis pigmentosa. Last evaluated: 2015-01-01. Review status: no assertion criteria provided. Collection method: research. Allele origin: unknown. Affected: yes. Observed: 2 variant alleles. Not counted in ClinVar's aggregate classification.

Literature cited by the submitters: PubMed 23591405 (cited by Natera, Inc.); PubMed 31266775 (cited by Natera, Inc. and Ocular Genomics Institute, Massachusetts Eye and Ear); PubMed 31842393 (cited by Natera, Inc.); PubMed 31998945 (cited by Natera, Inc.); PubMed 33576794 (cited by Natera, Inc.); PubMed 20507924 (cited by 3billion and Ocular Genomics Institute, Massachusetts Eye and Ear); PubMed 28838317 (cited by Ocular Genomics Institute, Massachusetts Eye and Ear); PubMed 30718709 (cited by Department of Clinical Genetics, Copenhagen University Hospital, Rigshospitalet); PubMed 28041643 (cited by NIHR Bioresource Rare Diseases, University of Cambridge).

NM_206933.4(USH2A):c.13335_13347delinsCTTG (p.Glu4445_Ser4449delinsAspLeu)

Gene: USH2A (usherin; minus strand). Cytogenetic location: 1q41.
Variant type: Indel.
Coding change: c.13335_13347delinsCTTG on transcript NM_206933.4 (MANE Select); coding-DNA positions 13335 to 13347, GAACATGGACTCT replaced by CTTG.
Protein change: p.Glu4445_Ser4449delinsAspLeu.
Molecular consequence: inframe indel.
Genome position (GRCh38, 1-based): chr1:215,674,564-215,674,576, AGAGTCCATGTTC replaced by CAAG on the plus strand (GAACATGGACTCT replaced by CTTG on the coding strand, the reverse complement: USH2A is on the minus strand). VCF-style: chr1-215674564-AGAGTCCATGTTC-CAAG. GRCh37 (hg19) VCF-style: chr1-215847906-AGAGTCCATGTTC-CAAG.
Other names: c.13335_13347delinsCTTG (NM_206933.3).
Identifiers: ClinVar variation 438013 (VCV000438013.43), dbSNP rs1553252388, ClinGen allele CA645509092.